The following is an entry in ClinVar:

ClinVar aggregate classification (germline): Uncertain significance (1 of 4 stars; one submission).

Submission:

GeneDx
Classification: Uncertain significance. Last evaluated: 2014-08-11. Review status: criteria provided, single submitter. Criteria: GeneDx Variant Classification (06012015). Collection method: clinical testing. Allele origin: germline. Affected: yes.
Comment: This variant is denoted p.Asn250Lys (AAC>AAG): c.750 C>G in exon 1 of the PCDH19 gene (NM_001105243.1). The N250K variant has not been published as a mutation, nor has it been reported as a benign polymorphism to our knowledge. It was not observed in approximately 6,500 individuals of European and African American ancestry in the NHLBI Exome Sequencing Project, indicating it is not a common benign variant in these populations. The N250K variant is a semi-conservative amino acid substitution, which may impact secondary protein structure as these residues differ in some properties. This substitution occurs at a position that is conserved across species, and in silico analysis predicts this variant is probably damaging to the protein structure/function. Missense mutations in nearby residues (E249D and E249G) have been reported in association with PCDH19-related disorders, supporting the functional importance of this region of the protein. Therefore, based on the currently available information, it is unclear whether the N250K variant is a pathogenic mutation or a rare benign variant. The variant is found in EPILEPSY panel(s).

NM_001184880.2(PCDH19):c.750C>G (p.Asn250Lys)

Gene: PCDH19 (protocadherin 19; minus strand). Cytogenetic location: Xq22.1.
Variant type: single nucleotide variant.
Coding change: c.750C>G on transcript NM_001184880.2 (MANE Select); coding-DNA position 750, C replaced by G.
Protein change: p.Asn250Lys; replaces asparagine 250 with lysine.
Molecular consequence: missense variant.
Genome position (GRCh38, 1-based): chrX:100,407,848, G>C on the plus strand (C>G on the coding strand, the complement: PCDH19 is on the minus strand). VCF-style: chrX-100407848-G-C. GRCh37 (hg19) VCF-style: chrX-99662846-G-C.
Other names: p.N250K:AAC>AAG; c.750C>G, p.Asn250Lys (NM_001105243.2, NM_020766.3); short protein forms N250K.
Identifiers: ClinVar variation 206324 (VCV000206324.2), dbSNP rs796052809, ClinGen allele CA316327.